The following is an entry in ClinVar:

NM_005359.6(SMAD4):c.1309-5A>G

Gene: SMAD4 (SMAD family member 4; plus strand). Cytogenetic location: 18q21.2.
Variant type: single nucleotide variant.
Coding change: c.1309-5A>G on transcript NM_005359.6 (MANE Select); 5 bases into the intron before coding-DNA position 1309, A replaced by G.
Molecular consequence: intron variant.
Genome position (GRCh38, 1-based): chr18:51,076,633, A>G. VCF-style: chr18-51076633-A-G. GRCh37 (hg19) VCF-style: chr18-48603003-A-G.
Identifiers: ClinVar variation 631282 (VCV000631282.11), dbSNP rs1568211170, ClinGen allele CA913188985.
Genomic context (GRCh38, chr18:51,076,633, plus strand): 5'-ATTGGTTTTTAATGTATGGAATTTTTCTTTATGAACTCATAGTATGAAATGTTTTTTCTT[A>G]AAAGGTCTTTGATTTGCGTCAGTGTCATCGACAGATGCAGCAGCAGGCGGCTACTGCACA-3'

ClinVar aggregate classification (germline): Conflicting classifications of pathogenicity. Review status: criteria provided, conflicting classifications (1 of 4 stars). 3 submissions from 3 submitters: Uncertain significance (2); Likely benign (1). Last evaluated 2025-12-16.

Conditions:
Hereditary cancer-predisposing syndrome. Also called: Hereditary Cancer Syndrome; Neoplastic Syndromes, Hereditary; Tumor predisposition; Hereditary neoplastic syndrome. Identifiers: Orphanet 140162, MedGen C0027672, MeSH D009386, MONDO:0015356.
Familial thoracic aortic aneurysm and aortic dissection (TAAD). Also called: Thoracic aortic aneurysms and dissections. Identifiers: Orphanet 91387, MedGen C4707243, MONDO:0019625.
Juvenile polyposis syndrome (JPS). Identifiers: Orphanet 2929, MedGen C0345893, MONDO:0017380, OMIM 174900.

Allele frequency attached by ClinVar (database versions not stated): gnomAD exomes below 0.00001.
gnomAD v4.1: 2 of 1,610,344 alleles (0.00012%); highest among the groups gnomAD compares: South Asian, 0.0022%; no homozygotes.

Submissions (3):

Labcorp Genetics (formerly Invitae), Labcorp
Classification: Likely benign for Juvenile polyposis syndrome. Last evaluated: 2025-12-16. Review status: criteria provided, single submitter. Criteria: Invitae Variant Classification Sherloc (09022015). Collection method: clinical testing. Allele origin: germline.

Ambry Genetics
Classification: Uncertain significance for Hereditary cancer-predisposing syndrome; Familial thoracic aortic aneurysm and aortic dissection. Last evaluated: 2024-10-01. Review status: criteria provided, single submitter. Criteria: Ambry Variant Classification Scheme 2023. Collection method: clinical testing. Allele origin: germline.
Comment: The c.1309-5A>G intronic variant results from an A to G substitution 5 nucleotides upstream from coding exon 10 in the SMAD4 gene. This nucleotide position is poorly conserved in available vertebrate species. In silico splice site analysis predicts that this alteration will not have any significant effect on splicing; however, direct evidence is insufficient at this time (Ambry internal data). Based on the available evidence, the clinical significance of this variant remains unclear.

Color Diagnostics, LLC DBA Color Health
Classification: Uncertain significance for Hereditary cancer-predisposing syndrome. Last evaluated: 2019-04-04. Review status: criteria provided, single submitter. Criteria: ACMG Guidelines, 2015. Collection method: clinical testing. Allele origin: germline.